The following is an entry in ClinVar:

ClinVar aggregate classification (germline): Uncertain significance. Review status: criteria provided, multiple submitters, no conflicts (2 of 4 stars). 2 submissions from 2 submitters: Uncertain significance (2). Last evaluated 2025-09-04.

Conditions:
POLD1-related polyposis and colorectal cancer syndrome (CRCS10). Also called: Colorectal cancer 10; COLORECTAL CANCER, SUSCEPTIBILITY TO, ON CHROMOSOME 19q; Colorectal cancer, susceptibility to, 10. Identifiers: Orphanet 220460, MedGen C2675481, MONDO:0012953, OMIM 612591.
Hereditary cancer-predisposing syndrome. Also called: Tumor predisposition; Neoplastic Syndromes, Hereditary; Hereditary Cancer Syndrome; Hereditary neoplastic syndrome. Identifiers: Orphanet 140162, MedGen C0027672, MeSH D009386, MONDO:0015356.

Allele frequency attached by ClinVar (database versions not stated): gnomAD exomes below 0.00001.
gnomAD v4.1: 2 of 1,606,060 alleles (0.00012%); highest among the groups gnomAD compares: Non-Finnish European, 0.00017%; no homozygotes.

Submissions (2):

Ambry Genetics
Classification: Uncertain significance for Hereditary cancer-predisposing syndrome. Last evaluated: 2025-09-04. Review status: criteria provided, single submitter. Criteria: Ambry Variant Classification Scheme 2023. Collection method: clinical testing. Allele origin: germline.
Comment: The p.P712L variant (also known as c.2135C>T), located in coding exon 16 of the POLD1 gene, results from a C to T substitution at nucleotide position 2135. The proline at codon 712 is replaced by leucine, an amino acid with similar properties. This amino acid position is highly conserved in available vertebrate species. In addition, this alteration is predicted to be deleterious by in silico analysis. Based on the available evidence, the clinical significance of this variant remains unclear.

Labcorp Genetics (formerly Invitae), Labcorp
Classification: Uncertain significance for POLD1-related polyposis and colorectal cancer syndrome. Last evaluated: 2025-06-20. Review status: criteria provided, single submitter. Criteria: Invitae Variant Classification Sherloc (09022015). Collection method: clinical testing. Allele origin: germline.
Comment: This sequence change replaces proline, which is neutral and non-polar, with leucine, which is neutral and non-polar, at codon 712 of the POLD1 protein (p.Pro712Leu). This variant is not present in population databases (gnomAD no frequency). This variant has not been reported in the literature in individuals affected with POLD1-related conditions. ClinVar contains an entry for this variant (Variation ID: 2132962). Invitae Evidence Modeling of protein sequence and biophysical properties (such as structural, functional, and spatial information, amino acid conservation, physicochemical variation, residue mobility, and thermodynamic stability) indicates that this missense variant is expected to disrupt POLD1 protein function with a positive predictive value of 80%. In summary, the available evidence is currently insufficient to determine the role of this variant in disease. Therefore, it has been classified as a Variant of Uncertain Significance.

NM_002691.4(POLD1):c.2135C>T (p.Pro712Leu)

Gene: POLD1 (DNA polymerase delta 1, catalytic subunit; plus strand). Cytogenetic location: 19q13.33.
Variant type: single nucleotide variant.
Coding change: c.2135C>T on transcript NM_002691.4 (MANE Select); coding-DNA position 2135, C replaced by T.
Protein change: p.Pro712Leu; replaces proline 712 with leucine.
Molecular consequence: missense variant. On other transcripts: non-coding transcript variant (1).
Genome position (GRCh38, 1-based): chr19:50,409,647, C>T. VCF-style: chr19-50409647-C-T. GRCh37 (hg19) VCF-style: chr19-50912904-C-T.
Other names: c.2135C>T (NM_002691.2); c.2135C>T, p.Pro712Leu (NM_001256849.1); c.2213C>T, p.Pro738Leu (NM_001308632.1); short protein forms P712L, P738L.
Identifiers: ClinVar variation 2132962 (VCV002132962.5), dbSNP rs2122389494, ClinGen allele CA406982702.
Genomic context (GRCh38, chr19:50,409,647, plus strand): 5'-CGCTGAAGGTGAGCGCCAACTCCGTATACGGCTTCACTGGCGCCCAGGTGGGCAAGTTGC[C>T]GTGCCTGGAGATCTCACAGGTGGGCACTCGGGCCCCTGGAAGGCAACTGGGGGCAGGTGG-3'
Protein context (NP_002682.2, residues 702-722): GFTGAQVGKL[Pro712Leu]CLEISQSVTG